The following is an entry in ClinVar:

NM_001387430.1(SH2B1):c.1432A>G (p.Ile478Val)

Gene: SH2B1 (SH2B adaptor protein 1; plus strand). Cytogenetic location: 16p11.2.
Variant type: single nucleotide variant.
Coding change: c.1432A>G on transcript NM_001387430.1 (MANE Select); coding-DNA position 1432, A replaced by G.
Protein change: p.Ile478Val; replaces isoleucine 478 with valine.
Molecular consequence: missense variant.
Genome position (GRCh38, 1-based): chr16:28,871,902, A>G. VCF-style: chr16-28871902-A-G. GRCh37 (hg19) VCF-style: chr16-28883223-A-G.
Other names: c.1432A>G, p.Ile478Val (NM_001145795.2, NM_001145796.2, NM_001145797.2 and 4 more transcripts); c.424A>G, p.Ile142Val (NM_001308294.2); short protein forms I478V, I142V.
Identifiers: ClinVar variation 4996699 (VCV004996699.1).
Genomic context (GRCh38, chr16:28,871,902, plus strand): 5'-GCCGCCTCCCATTTTGACTCGATGGAACTGCTTCCCCCAGAGTTGCCCCCCCGCATCCCC[A>G]TTGAAGAGGGACCCCCAACAGGGACAGTTCATCCCCTCTCAGCCCCCTACCCTCCCTTGG-3'
Protein context (NP_001374359.1, residues 468-488): LPPELPPRIP[Ile478Val]EEGPPTGTVH

ClinVar aggregate classification (germline): Uncertain significance (1 of 4 stars; one submission).

Conditions:
SH2B1-related disorder. Also called: SH2B1-related condition.

Submission:

PreventionGenetics, part of Exact Sciences
Classification: Uncertain significance for SH2B1-related condition. Last evaluated: 2026-08-12. Review status: criteria provided, single submitter. Criteria: ACMG Guidelines, 2015. Collection method: clinical testing. Allele origin: germline.
Comment: The SH2B1 c.1432A>G variant is predicted to result in the amino acid substitution p.Ile478Val. To our knowledge, this variant has not been reported in the literature or in a large population database (gnomAD), indicating this variant is rare. At this time, the clinical significance of this variant is uncertain due to the absence of conclusive functional and genetic evidence.